The following is an entry in ClinVar:

NM_004035.7(ACOX1):c.33del (p.Ala12fs)

Gene: ACOX1 (acyl-CoA oxidase 1; minus strand). Cytogenetic location: 17q25.1.
Variant type: Deletion.
Coding change: c.33del on transcript NM_004035.7 (MANE Select); coding-DNA position 33, one base deleted (C; older notation c.33delC).
Protein change: p.Ala12fs; shifts the reading frame from alanine 12.
Molecular consequence: frameshift variant. On other transcripts: 5 prime UTR variant (1).
Genome position (GRCh38, 1-based): chr17:75,979,041, G deleted on the plus strand (C on the coding strand, the reverse complement: ACOX1 is on the minus strand); the first of 2 consecutive G bases (chr17:75,979,041-75,979,042); deleting either gives the same sequence. VCF-style (leftmost placement, unchanged base first): chr17-75979040-CG-C. GRCh37 (hg19) VCF-style: chr17-73975121-CG-C.
Other names: c.-256del (NM_001185039.2); c.33del, p.Ala12fs (NM_007292.6); short protein forms A12fs.
Identifiers: ClinVar variation 2066414 (VCV002066414.4), dbSNP rs758857773, ClinGen allele CA8777174.

ClinVar aggregate classification (germline): Pathogenic (1 of 4 stars; one submission).

Conditions:
Acyl-CoA oxidase deficiency. Also called: STRAIGHT-CHAIN ACYL-CoA OXIDASE DEFICIENCY; Pseudoneonatal adrenoleukodystrophy; Peroxisomal acyl-CoA oxidase deficiency. Identifiers: Orphanet 2971, MedGen C1849678, MONDO:0009919, OMIM 264470. Disease mechanism: loss of function.

Submission:

Labcorp Genetics (formerly Invitae), Labcorp
Classification: Pathogenic for Acyl-CoA oxidase deficiency. Last evaluated: 2023-02-11. Review status: criteria provided, single submitter. Criteria: Invitae Variant Classification Sherloc (09022015). Collection method: clinical testing. Allele origin: germline.
Comment: For these reasons, this variant has been classified as Pathogenic. This variant has not been reported in the literature in individuals affected with ACOX1-related conditions. This variant is present in population databases (rs758857773, gnomAD 0.006%). This sequence change creates a premature translational stop signal (p.Ala12Profs*28) in the ACOX1 gene. It is expected to result in an absent or disrupted protein product. Loss-of-function variants in ACOX1 are known to be pathogenic (PMID: 8040306, 17458872).

Literature cited by the submitters: PubMed 8040306; PubMed 17458872.